The following is an entry in ClinVar:

ClinVar aggregate classification (germline): Likely pathogenic (1 of 4 stars; one submission).

Conditions:
D-2-hydroxyglutaric aciduria 1 (D2HGA1). Identifiers: Orphanet 79315, MedGen C3152055, MONDO:0024554, OMIM 600721.

Submission:

Juno Genomics, Hangzhou Juno Genomics, Inc
Classification: Likely pathogenic for D-2-hydroxyglutaric aciduria 1. Review status: criteria provided, single submitter. Criteria: ACMG Guidelines, 2015. Collection method: clinical testing. Allele origin: germline. Affected: yes.
Comment: Multiple lines of computational evidence support a deleterious effect on the gene or gene product (conservation, evolutionary, splicing impact, etc).;Absent from controls (or at extremely low frequency if recessive) in Genome Aggregation Database, Exome Sequencing Project, 1000 Genomes Project, or Exome Aggregation Consortium.;Novel missense change at an amino acid residue where a different missense change determined to be pathogenic has been seen before.;Patient's phenotype or family history is highly specific for a disease with a single genetic etiology.

NM_152783.5(D2HGDH):c.457A>G (p.Met153Val)

Gene: D2HGDH (D-2-hydroxyglutarate dehydrogenase; plus strand). Cytogenetic location: 2q37.3.
Variant type: single nucleotide variant.
Coding change: c.457A>G on transcript NM_152783.5 (MANE Select); coding-DNA position 457, A replaced by G.
Protein change: p.Met153Val; replaces methionine 153 with valine.
Molecular consequence: missense variant. On other transcripts: 5 prime UTR variant (1), non-coding transcript variant (1).
Genome position (GRCh38, 1-based): chr2:241,742,541, A>G. VCF-style: chr2-241742541-A-G. GRCh37 (hg19) VCF-style: chr2-242681956-A-G.
Other names: c.55A>G, p.Met19Val (NM_001287249.2); c.-88A>G (NM_001352824.2); short protein forms M153V, M19V.
Identifiers: ClinVar variation 3382850 (VCV003382850.2).
Genomic context (GRCh38, chr2:241,742,541, plus strand): 5'-ACAGGCATGGTGGGTGGCAGCGTCCCCGTCTTTGACGAGATCATCCTCTCCACTGCCCGC[A>G]TGAACCGGGTCCTCAGCTTCCACAGCGTGTCTGGTAAGCCTGTGCCACCCGTCGGGGCCC-3'
Protein context (NP_689996.4, residues 143-163): FDEIILSTAR[Met153Val]NRVLSFHSVS